The following is an entry in ClinVar:

ClinVar aggregate classification (germline): Likely benign (1 of 4 stars; one submission).

Conditions:
SLC10A1-related disorder. Also called: SLC10A1-related condition.

gnomAD v4.1: 59 of 1,613,960 alleles (0.0037%); highest among the groups gnomAD compares: Non-Finnish European, 0.0042%; no homozygotes.

Submission:

PreventionGenetics, part of Exact Sciences
Classification: Likely benign for SLC10A1-related condition. Last evaluated: 2026-09-22. Review status: criteria provided, single submitter. Criteria: ACMG Guidelines, 2015. Collection method: clinical testing. Allele origin: germline.
Comment: This variant is classified as likely benign based on ACMG/AMP sequence variant interpretation guidelines (Richards et al. 2015 PMID: 25741868, with internal and published modifications).

NM_003049.4(SLC10A1):c.522C>T (p.Ile174=)

Gene: SLC10A1 (solute carrier family 10 member 1; minus strand). Cytogenetic location: 14q24.1.
Variant type: single nucleotide variant.
Coding change: c.522C>T on transcript NM_003049.4 (MANE Select); coding-DNA position 522, C replaced by T.
Protein change: p.Ile174=; no amino-acid change (isoleucine 174 retained).
Molecular consequence: synonymous variant.
Genome position (GRCh38, 1-based): chr14:69,786,142, G>A on the plus strand (C>T on the coding strand, the complement: SLC10A1 is on the minus strand). VCF-style: chr14-69786142-G-A. GRCh37 (hg19) VCF-style: chr14-70252859-G-A.
Identifiers: ClinVar variation 4988094 (VCV004988094.1).